The following is an entry in ClinVar:

NM_001367624.2(ZNF469):c.6685C>T (p.Pro2229Ser)

Gene: ZNF469 (zinc finger protein 469; plus strand). Cytogenetic location: 16q24.2.
Variant type: single nucleotide variant.
Coding change: c.6685C>T on transcript NM_001367624.2 (MANE Select); coding-DNA position 6685, C replaced by T.
Protein change: p.Pro2229Ser; replaces proline 2229 with serine.
Molecular consequence: missense variant.
Genome position (GRCh38, 1-based): chr16:88,434,155, C>T. VCF-style: chr16-88434155-C-T. GRCh37 (hg19) VCF-style: chr16-88500563-C-T.
Other names: short protein forms P2229S.
Identifiers: ClinVar variation 4780180 (VCV004780180.1).
Genomic context (GRCh38, chr16:88,434,155, plus strand): 5'-GCCCTGGCTGGTTGCCTTCTCCAGGGGGAGGGCAGCCCCCTGGAAGACCCTTCCTCCTGG[C>T]CTCCTGGCTCCGTCAGTGCTGTAACCTGCACTCACAGTGGGGACACCCCCAAAGACAGCA-3'
Protein context (NP_001354553.1, residues 2219-2239): GSPLEDPSSW[Pro2229Ser]PGSVSAVTCT

ClinVar aggregate classification (germline): Uncertain significance (1 of 4 stars; one submission).

Submission:

Labcorp Genetics (formerly Invitae), Labcorp
Classification: Uncertain significance. Last evaluated: 2025-03-29. Review status: criteria provided, single submitter. Criteria: Invitae Variant Classification Sherloc (09022015). Collection method: clinical testing. Allele origin: germline.
Comment: This sequence change replaces proline, which is neutral and non-polar, with serine, which is neutral and polar, at codon 2201 of the ZNF469 protein (p.Pro2201Ser). This variant is not present in population databases (gnomAD no frequency). This variant has not been reported in the literature in individuals affected with ZNF469-related conditions. An algorithm developed to predict the effect of missense changes on protein structure and function outputs the following: PolyPhen-2: "Benign". The serine amino acid residue is found in multiple mammalian species, which suggests that this missense change does not adversely affect protein function. In summary, the available evidence is currently insufficient to determine the role of this variant in disease. Therefore, it has been classified as a Variant of Uncertain Significance.